The following is an entry in ClinVar:

ClinVar aggregate classification (germline): Likely benign. Review status: criteria provided, multiple submitters, no conflicts (2 of 4 stars). 3 submissions from 3 submitters: Likely benign (3). Last evaluated 2025-07-06.

Conditions:
Neuronal ceroid lipofuscinosis 7 (CLN7). Also called: MFSD8-Related Neuronal Ceroid-Lipofuscinosis. Identifiers: Orphanet 168491, Orphanet 228366, MedGen C1838571, MONDO:0012588, OMIM 610951.

Allele frequency attached by ClinVar (database versions not stated): gnomAD exomes below 0.00001 and 0.00001; TOPMed below 0.00001; ESP Exome Variant Server 0.00008.
gnomAD v4.1: 15 of 1,611,846 alleles (0.00093%); highest among the groups gnomAD compares: Non-Finnish European, 0.0012%; no homozygotes.

Submissions (3):

Labcorp Genetics (formerly Invitae), Labcorp
Classification: Likely benign for Neuronal ceroid lipofuscinosis 7. Last evaluated: 2025-07-06. Review status: criteria provided, single submitter. Criteria: Invitae Variant Classification Sherloc (09022015). Collection method: clinical testing. Allele origin: germline.

Blueprint Genetics
Classification: Likely benign. Last evaluated: 2022-10-28. Review status: criteria provided, single submitter. Criteria: ACMG Guidelines, 2015. Collection method: clinical testing. Allele origin: germline.

GeneDx
Classification: Likely benign. Last evaluated: 2018-04-05. Review status: criteria provided, single submitter. Criteria: GeneDx Variant Classification (06012015). Collection method: clinical testing. Allele origin: germline. Affected: yes.
Comment: This variant is considered likely benign or benign based on one or more of the following criteria: it is a conservative change, it occurs at a poorly conserved position in the protein, it is predicted to be benign by multiple in silico algorithms, and/or has population frequency not consistent with disease.

NM_001371596.2(MFSD8):c.102C>T (p.Ser34=)

Gene: MFSD8 (major facilitator superfamily domain containing 8; minus strand). Cytogenetic location: 4q28.2.
Variant type: single nucleotide variant.
Coding change: c.102C>T on transcript NM_001371596.2 (MANE Select); coding-DNA position 102, C replaced by T.
Protein change: p.Ser34=; no amino-acid change (serine 34 retained).
Molecular consequence: synonymous variant. On other transcripts: 5 prime UTR variant (3).
Genome position (GRCh38, 1-based): chr4:127,957,553, G>A on the plus strand (C>T on the coding strand, the complement: MFSD8 is on the minus strand). VCF-style: chr4-127957553-G-A. GRCh37 (hg19) VCF-style: chr4-128878708-G-A.
Other names: c.102C>T, p.Ser34= (NM_001363520.3, NM_001363521.3, NM_001371591.2 and 5 more transcripts); c.-34C>T (NM_001371590.2, NM_001371595.1, NM_001410765.1).
Identifiers: ClinVar variation 681604 (VCV000681604.14), dbSNP rs139212190, ClinGen allele CA105641729.